The following is an entry in ClinVar:

NM_000343.4(SLC5A1):c.373-13G>A

Gene: SLC5A1 (solute carrier family 5 member 1; plus strand). Cytogenetic location: 22q12.3.
Variant type: single nucleotide variant.
Coding change: c.373-13G>A on transcript NM_000343.4 (MANE Select); 13 bases into the intron before coding-DNA position 373, G replaced by A.
Molecular consequence: intron variant.
Genome position (GRCh38, 1-based): chr22:32,068,483, G>A. VCF-style: chr22-32068483-G-A. GRCh37 (hg19) VCF-style: chr22-32464470-G-A.
Other names: c.-9-13G>A (NM_001256314.2).
Identifiers: ClinVar variation 341239 (VCV000341239.12), dbSNP rs201398293, ClinGen allele CA10197947.
Genomic context (GRCh38, chr22:32,068,483, plus strand): 5'-GTGTCACTGTTCTGTCTGCTCTGGGCCCTCTGGTCACTGTGGCTGGCAGTGACCTCCCTC[G>A]CACCCCATGCAGGTGGTGACAATGCCAGAGTACCTGAGGAAGCGGTTTGGAGGCCAGCGG-3'

ClinVar aggregate classification (germline): Benign/Likely benign. Review status: criteria provided, multiple submitters, no conflicts (2 of 4 stars). 2 submissions from 2 submitters: Benign (1); Likely benign (1). Last evaluated 2026-01-12.

Conditions:
Congenital glucose-galactose malabsorption (GGM). Also called: MONOSACCHARIDE MALABSORPTION; DIARRHEA 16. Identifiers: Orphanet 35710, MedGen C0268186, MONDO:0011731, OMIM 606824.

Allele frequency attached by ClinVar (database versions not stated): gnomAD 0.00001 and 0.00018; TOPMed 0.00005; gnomAD exomes 0.00040 and 0.00074; 1000 Genomes Project 30x 0.00062; 1000 Genomes Project 0.00080; ExAC 0.00091.
gnomAD v4.1: 584 of 1,581,100 alleles (0.037%); highest among the groups gnomAD compares: South Asian, 0.62%; 12 homozygotes.

Submissions (2):

Labcorp Genetics (formerly Invitae), Labcorp
Classification: Benign for Congenital glucose-galactose malabsorption. Last evaluated: 2026-01-12. Review status: criteria provided, single submitter. Criteria: Invitae Variant Classification Sherloc (09022015). Collection method: clinical testing. Allele origin: germline.

Illumina Laboratory Services, Illumina
Classification: Likely benign for Congenital glucose-galactose malabsorption. Last evaluated: 2018-01-13. Review status: criteria provided, single submitter. Criteria: ICSL Variant Classification Criteria 13 December 2019. Collection method: clinical testing. Allele origin: germline.
Comment: This variant was observed in the ICSL laboratory as part of a predisposition screen in an ostensibly healthy population. It had not been previously curated by ICSL or reported in the Human Gene Mutation Database (HGMD: prior to June 1st, 2018), and was therefore a candidate for classification through an automated scoring system. Utilizing variant allele frequency, disease prevalence and penetrance estimates, and inheritance mode, an automated score was calculated to assess if this variant is too frequent to cause the disease. Based on the score and internal cut-off values, a variant classified as likely benign is not then subjected to further curation. The score for this variant resulted in a classification of likely benign for this disease.